The following is an entry in ClinVar:

NM_000548.5(TSC2):c.1529A>C (p.Gln510Pro)

Gene: TSC2 (TSC complex subunit 2; plus strand). Cytogenetic location: 16p13.3.
Variant type: single nucleotide variant.
Coding change: c.1529A>C on transcript NM_000548.5 (MANE Select); coding-DNA position 1529, A replaced by C.
Protein change: p.Gln510Pro; replaces glutamine 510 with proline.
Molecular consequence: missense variant.
Genome position (GRCh38, 1-based): chr16:2,064,357, A>C. VCF-style: chr16-2064357-A-C. GRCh37 (hg19) VCF-style: chr16-2114358-A-C.
Other names: c.1529A>C, p.Gln510Pro (NM_001077183.3, NM_001114382.3, NM_001363528.2 and 3 more transcripts); c.1418A>C, p.Gln473Pro (NM_001318827.2); c.1382A>C, p.Gln461Pro (NM_001318829.2); c.929A>C, p.Gln310Pro (NM_001318831.2); c.1562A>C, p.Gln521Pro (NM_001318832.2); short protein forms Q521P, Q461P, Q473P, Q310P, Q510P.
Identifiers: ClinVar variation 819460 (VCV000819460.17), dbSNP rs1596312182, ClinGen allele CA394326274.

ClinVar aggregate classification (germline): Uncertain significance. Review status: criteria provided, multiple submitters, no conflicts (2 of 4 stars). 3 submissions from 3 submitters: Uncertain significance (3). Last evaluated 2025-01-06.

Conditions:
Tuberous sclerosis 2 (TSC2). Identifiers: Orphanet 805, MedGen C1860707, MONDO:0013199, OMIM 613254.
Hereditary cancer-predisposing syndrome. Also called: Hereditary Cancer Syndrome; Neoplastic Syndromes, Hereditary; Hereditary neoplastic syndrome; Tumor predisposition. Identifiers: Orphanet 140162, MedGen C0027672, MeSH D009386, MONDO:0015356.

Submissions (3):

Labcorp Genetics (formerly Invitae), Labcorp
Classification: Uncertain significance for Tuberous sclerosis 2. Last evaluated: 2025-01-06. Review status: criteria provided, single submitter. Criteria: Invitae Variant Classification Sherloc (09022015). Collection method: clinical testing. Allele origin: germline.
Comment: This sequence change replaces glutamine, which is neutral and polar, with proline, which is neutral and non-polar, at codon 510 of the TSC2 protein (p.Gln510Pro). This variant is not present in population databases (gnomAD no frequency). This variant has not been reported in the literature in individuals affected with TSC2-related conditions. ClinVar contains an entry for this variant (Variation ID: 819460). Invitae Evidence Modeling of protein sequence and biophysical properties (such as structural, functional, and spatial information, amino acid conservation, physicochemical variation, residue mobility, and thermodynamic stability) indicates that this missense variant is not expected to disrupt TSC2 protein function with a negative predictive value of 95%. In summary, the available evidence is currently insufficient to determine the role of this variant in disease. Therefore, it has been classified as a Variant of Uncertain Significance.

Ambry Genetics
Classification: Uncertain significance for Hereditary cancer-predisposing syndrome. Last evaluated: 2024-09-23. Review status: criteria provided, single submitter. Criteria: Ambry Variant Classification Scheme 2023. Collection method: clinical testing. Allele origin: germline.
Comment: The p.Q510P variant (also known as c.1529A>C), located in coding exon 14 of the TSC2 gene, results from an A to C substitution at nucleotide position 1529. The glutamine at codon 510 is replaced by proline, an amino acid with similar properties. This amino acid position is highly conserved in available vertebrate species. In addition, this alteration is predicted to be deleterious by in silico analysis. Based on the available evidence, the clinical significance of this variant remains unclear.

Genome-Nilou Lab
Classification: Uncertain significance for Tuberous sclerosis 2. Last evaluated: 2021-11-07. Review status: criteria provided, single submitter. Criteria: ACMG Guidelines, 2015. Collection method: clinical testing. Allele origin: germline. Affected: no.